The following is an entry in ClinVar:

NM_015335.5(MED13L):c.4386C>T (p.Asp1462=)

Gene: MED13L (mediator complex subunit 13L; minus strand). Cytogenetic location: 12q24.21.
Variant type: single nucleotide variant.
Coding change: c.4386C>T on transcript NM_015335.5 (MANE Select); coding-DNA position 4386, C replaced by T.
Protein change: p.Asp1462=; no amino-acid change (aspartic acid 1462 retained).
Molecular consequence: synonymous variant.
Genome position (GRCh38, 1-based): chr12:115,984,325, G>A on the plus strand (C>T on the coding strand, the complement: MED13L is on the minus strand). VCF-style: chr12-115984325-G-A. GRCh37 (hg19) VCF-style: chr12-116422130-G-A.
Identifiers: ClinVar variation 699527 (VCV000699527.7), dbSNP rs760971347, ClinGen allele CA6810805.

ClinVar aggregate classification (germline): Likely benign. Review status: criteria provided, multiple submitters, no conflicts (2 of 4 stars). 2 submissions from 2 submitters: Likely benign (2). Last evaluated 2026-04-05.

Conditions:
Dextro-looped transposition of the great arteries. Also called: Dextrotransposition of the great arteries. Identifiers: Orphanet 860, MedGen C3531771, MONDO:0019443, OMIM 608808, HP:0031348.
MED13L-related disorder. Also called: MED13L-related condition.

Allele frequency attached by ClinVar (database versions not stated): ExAC 0.00001; gnomAD 0.00001; gnomAD exomes 0.00002; TOPMed 0.00003.
gnomAD v4.1: 38 of 1,613,914 alleles (0.0024%); highest among the groups gnomAD compares: East Asian, 0.011%; no homozygotes.

Submissions (2):

PreventionGenetics, part of Exact Sciences
Classification: Likely benign for MED13L-related condition. Last evaluated: 2026-04-05. Review status: criteria provided, single submitter. Criteria: ACMG Guidelines, 2015. Collection method: clinical testing. Allele origin: germline.
Comment: This variant is classified as likely benign based on ACMG/AMP sequence variant interpretation guidelines (Richards et al. 2015 PMID: 25741868, with internal and published modifications).

Labcorp Genetics (formerly Invitae), Labcorp
Classification: Likely benign for Dextro-looped transposition of the great arteries. Last evaluated: 2025-07-14. Review status: criteria provided, single submitter. Criteria: Invitae Variant Classification Sherloc (09022015). Collection method: clinical testing. Allele origin: germline.